The following is an entry in ClinVar:

NM_001754.5(RUNX1):c.657G>A (p.Leu219=)

Gene: RUNX1 (RUNX family transcription factor 1; minus strand). Cytogenetic location: 21q22.12.
Variant type: single nucleotide variant.
Coding change: c.657G>A on transcript NM_001754.5 (MANE Select); coding-DNA position 657, G replaced by A.
Protein change: p.Leu219=; no amino-acid change (leucine 219 retained).
Molecular consequence: synonymous variant.
Genome position (GRCh38, 1-based): chr21:34,834,558, C>T on the plus strand (G>A on the coding strand, the complement: RUNX1 is on the minus strand). VCF-style: chr21-34834558-C-T. GRCh37 (hg19) VCF-style: chr21-36206855-C-T.
Other names: NM_001754.5(RUNX1):c.657G>A; p.Leu219=; c.576G>A, p.Leu192= (NM_001001890.3, NM_001122607.2).
Identifiers: ClinVar variation 2428796 (VCV002428796.9), dbSNP rs1425437469, ClinGen allele CA512318678.

ClinVar aggregate classification (germline): Likely benign. Review status: reviewed by expert panel (3 of 4 stars). 3 submissions from 3 submitters: Likely benign (1). 2 of the submissions do not count toward it. Last evaluated 2026-04-29.

Conditions:
Hereditary thrombocytopenia and hematologic cancer predisposition syndrome. Identifiers: Orphanet 71290, MedGen CN281654, MONDO:0011071.
Inborn genetic diseases. Identifiers: MedGen C0950123, MeSH D030342.

Submissions (3):

ClinGen Myeloid Malignancy Variant Curation Expert Panel
Classification: Likely benign for Hereditary thrombocytopenia and hematologic cancer predisposition syndrome. Last evaluated: 2026-04-29. Review status: reviewed by expert panel. Criteria: ClinGen MyeloMalig ACMG Specifications V3.1. Collection method: curation. Allele origin: germline. Inheritance: Autosomal dominant inheritance.
Comment: NM_001754.5(RUNX1):c.657G>A (p.Leu219=) is a synonymous variant which has a SpliceAI score ≤ 0.20 (0.00) (BP4, BP7). This variant is completely absent from all population databases with at least 20x coverage for RUNX1 (PM2_supporting). In summary, this variant meets criteria to be classified as likely benign. ACMG/AMP criteria applied, as specified by the Myeloid Malignancy Variant Curation Expert Panel for RUNX1: BP4, BP7, PM2_supporting.

Ambry Genetics
Classification: Likely benign for Inborn genetic diseases. Last evaluated: 2025-06-21. Review status: criteria provided, single submitter. Criteria: Ambry Variant Classification Scheme 2023. Collection method: clinical testing. Allele origin: germline. Not counted in ClinVar's aggregate classification.

GeneDx
Classification: Uncertain significance. Last evaluated: 2022-08-02. Review status: criteria provided, single submitter. Criteria: GeneDx Variant Classification Process June 2021. Collection method: clinical testing. Allele origin: germline. Affected: yes. Not counted in ClinVar's aggregate classification.
Comment: Not observed at significant frequency in large population cohorts (gnomAD); In silico analysis supports that this variant does not alter splicing; Has not been previously published as pathogenic or benign to our knowledge